The following is an entry in ClinVar:

ClinVar aggregate classification (germline): Uncertain significance (1 of 4 stars; one submission).

Conditions:
Arrhythmogenic right ventricular dysplasia 9 (ARVD9). Also called: Arrhythmogenic Right Ventricular Dysplasia/Cardiomyopathy 9; ARRHYTHMOGENIC RIGHT VENTRICULAR DYSPLASIA, FAMILIAL, 9. Identifiers: MedGen C1836906, MONDO:0012180, OMIM 609040.

Submission:

Labcorp Genetics (formerly Invitae), Labcorp
Classification: Uncertain significance for Arrhythmogenic right ventricular dysplasia 9. Last evaluated: 2024-07-16. Review status: criteria provided, single submitter. Criteria: Invitae Variant Classification Sherloc (09022015). Collection method: clinical testing. Allele origin: germline.
Comment: This sequence change replaces leucine, which is neutral and non-polar, with valine, which is neutral and non-polar, at codon 255 of the PKP2 protein (p.Leu255Val). This variant is not present in population databases (gnomAD no frequency). This variant has not been reported in the literature in individuals affected with PKP2-related conditions. An algorithm developed to predict the effect of missense changes on protein structure and function (PolyPhen-2) suggests that this variant is likely to be disruptive. In summary, the available evidence is currently insufficient to determine the role of this variant in disease. Therefore, it has been classified as a Variant of Uncertain Significance.

NM_001005242.3(PKP2):c.763C>G (p.Leu255Val)

Gene: PKP2 (plakophilin 2; minus strand). Cytogenetic location: 12p11.21.
Variant type: single nucleotide variant.
Coding change: c.763C>G on transcript NM_001005242.3 (MANE Select); coding-DNA position 763, C replaced by G.
Protein change: p.Leu255Val; replaces leucine 255 with valine.
Molecular consequence: missense variant.
Genome position (GRCh38, 1-based): chr12:32,878,117, G>C on the plus strand (C>G on the coding strand, the complement: PKP2 is on the minus strand). VCF-style: chr12-32878117-G-C. GRCh37 (hg19) VCF-style: chr12-33031051-G-C.
Other names: c.763C>G, p.Leu255Val (NM_001407155.1, NM_001407156.1, NM_001407157.1 and 2 more transcripts); c.436C>G, p.Leu146Val (NM_001407158.1, NM_001407159.1, NM_001407160.1 and 1 more transcripts); short protein forms L146V, L255V.
Identifiers: ClinVar variation 3659650 (VCV003659650.2).